The following is an entry in ClinVar:

ClinVar aggregate classification (germline): Likely pathogenic (1 of 4 stars; one submission).

Conditions:
Congenital defect of folate absorption. Also called: Hereditary Folate Malabsorption. Identifiers: Orphanet 90045, MedGen C0342705, MONDO:0009238, OMIM 229050.

Submission:

Neuberg Centre For Genomic Medicine, NCGM
Classification: Likely pathogenic for Congenital defect of folate absorption. Last evaluated: 2023-07-22. Review status: criteria provided, single submitter. Criteria: ACMG Guidelines, 2015. Collection method: clinical testing. Allele origin: germline. Inheritance: Autosomal recessive inheritance. Affected: yes.
Comment: The stop gained c.138T>A p.Tyr46Ter variant in SLC46A1 gene has not been reported previously as a pathogenic variant nor as a benign variant, to our knowledge. The p.Tyr46Ter variant is absent in gnomAD exomes database. This variant has not been submitted to the ClinVar database. Computational evidence MutationTaster - disease causing predict a damaging effect on protein structure and function for this variant. The reference amino acid at this position on SLC46A1 gene is predicted as conserved by PhyloP across 100 vertebrates. This variant is predicted to cause loss of normal protein function through protein truncation. Loss of function variants have been previously reported to be disease causing. For these reasons, this variant has been classified as Likely Pathogenic. In the absence of another reportable variant in SLC46A1 gene, the molecular diagnosis is not confirmed.

NM_080669.6(SLC46A1):c.138T>A (p.Tyr46Ter)

Gene: SLC46A1 (solute carrier family 46 member 1; minus strand). Cytogenetic location: 17q11.2.
Variant type: single nucleotide variant.
Coding change: c.138T>A on transcript NM_080669.6 (MANE Select); coding-DNA position 138, T replaced by A.
Protein change: p.Tyr46Ter; replaces tyrosine 46 with a stop codon.
Molecular consequence: nonsense.
Genome position (GRCh38, 1-based): chr17:28,405,977, A>T on the plus strand (T>A on the coding strand, the complement: SLC46A1 is on the minus strand). VCF-style: chr17-28405977-A-T. GRCh37 (hg19) VCF-style: chr17-26732995-A-T.
Other names: c.138T>A, p.Tyr46Ter (NM_001242366.3); short protein forms Y46*.
Identifiers: ClinVar variation 3391327 (VCV003391327.1).